The following is an entry in ClinVar:

NM_000048.4(ASL):c.420del (p.Arg141fs)

Gene: ASL (argininosuccinate lyase; plus strand). Cytogenetic location: 7q11.21.
Variant type: Deletion.
Coding change: c.420del on transcript NM_000048.4 (MANE Select); coding-DNA position 420, one base deleted (T; older notation c.420delT).
Protein change: p.Arg141fs; shifts the reading frame from arginine 141.
Molecular consequence: frameshift variant.
Genome position (GRCh38, 1-based): chr7:66,083,148, T deleted; the last of 2 consecutive T bases (chr7:66,083,147-66,083,148); deleting either gives the same sequence. VCF-style (leftmost placement, unchanged base first): chr7-66083146-AT-A. GRCh37 (hg19) VCF-style: chr7-65548133-AT-A.
Other names: c.420del, p.Arg141fs (NM_001024943.2, NM_001024944.2, NM_001024946.2); short protein forms R141fs.
Identifiers: ClinVar variation 5011411 (VCV005011411.1).

ClinVar aggregate classification (germline): Pathogenic (1 of 4 stars; one submission).

Conditions:
Argininosuccinate lyase deficiency. Also called: ARGININOSUCCINIC ACID LYASE DEFICIENCY; ASL DEFICIENCY; Argininosuccinic aciduria. Identifiers: Orphanet 23, MedGen C0268547, MONDO:0008815, OMIM 207900, HP:0025630.

Submission:

Myriad Genetics, Inc.
Classification: Pathogenic for Argininosuccinate lyase deficiency. Last evaluated: 2023-08-21. Review status: criteria provided, single submitter. Criteria: Myriad Autosomal Dominant, Autosomal Recessive and X-Linked Classification Criteria (2023). Collection method: clinical testing. Allele origin: unknown.
Comment: NM_001024943.1(ASL):c.420delT(R141Gfs*34) is expected to be pathogenic in the context of argininosuccinic aciduria. This variant is predicted to lead to an abnormal or absent protein product due to the creation of a premature termination codon in ASL, a gene where loss-of-function variants are known to be pathogenic. Please note: this variant was assessed in the context of healthy population screening.